The following is an entry in ClinVar:

NM_030777.4(SLC2A10):c.1146C>A (p.Asp382Glu)

Gene: SLC2A10 (solute carrier family 2 member 10; plus strand). Cytogenetic location: 20q13.12.
Variant type: single nucleotide variant.
Coding change: c.1146C>A on transcript NM_030777.4 (MANE Select); coding-DNA position 1146, C replaced by A.
Protein change: p.Asp382Glu; replaces aspartic acid 382 with glutamic acid.
Molecular consequence: missense variant.
Genome position (GRCh38, 1-based): chr20:46,726,182, C>A. VCF-style: chr20-46726182-C-A. GRCh37 (hg19) VCF-style: chr20-45354821-C-A.
Other names: short protein forms D382E.
Identifiers: ClinVar variation 3443789 (VCV003443789.1).

ClinVar aggregate classification (germline): Uncertain significance (1 of 4 stars; one submission).

Conditions:
Familial thoracic aortic aneurysm and aortic dissection (TAAD). Also called: Thoracic aortic aneurysms and dissections. Identifiers: Orphanet 91387, MedGen C4707243, MONDO:0019625.

Submission:

Ambry Genetics
Classification: Uncertain significance for Familial thoracic aortic aneurysm and aortic dissection. Last evaluated: 2024-09-23. Review status: criteria provided, single submitter. Criteria: Ambry Variant Classification Scheme 2023. Collection method: clinical testing. Allele origin: germline.
Comment: The p.D382E variant (also known as c.1146C>A), located in coding exon 2 of the SLC2A10 gene, results from a C to A substitution at nucleotide position 1146. The aspartic acid at codon 382 is replaced by glutamic acid, an amino acid with highly similar properties. This amino acid position is conserved. In addition, this alteration is predicted to be tolerated by in silico analysis. Based on the available evidence, the clinical significance of this variant remains unclear.